The following is an entry in ClinVar:

NM_000257.4(MYH7):c.4644+24G>T

Genes: MHRT (myosin heavy chain associated RNA transcript; plus strand), MYH7 (myosin heavy chain 7; minus strand). Cytogenetic location: 14q11.2.
Variant type: single nucleotide variant.
Coding change: c.4644+24G>T on transcript NM_000257.4 (MANE Select); 24 bases into the intron after coding-DNA position 4644, G replaced by T.
Molecular consequence: intron variant.
Genome position (GRCh38, 1-based): chr14:23,416,844, C>A on the plus strand (G>T on the coding strand, the complement: MYH7 is on the minus strand). VCF-style: chr14-23416844-C-A. GRCh37 (hg19) VCF-style: chr14-23886053-C-A.
Identifiers: ClinVar variation 1226061 (VCV001226061.43), dbSNP rs3729826, ClinGen allele CA015177.

ClinVar aggregate classification (germline): Benign/Likely benign. Review status: criteria provided, multiple submitters, no conflicts (2 of 4 stars). 5 submissions from 5 submitters: Benign (4); Likely benign (1). Last evaluated 2026-09-01.

Conditions:
Cardiomyopathy (CMYO). Also called: Cardiomyopathies. Identifiers: Orphanet 167848, MedGen C0878544, MONDO:0004994, HP:0001638. Inheritance: Various modes of inheritance.
Hypertrophic cardiomyopathy. Also called: HYPERTROPHIC MYOCARDIOPATHY. Identifiers: Orphanet 217569, MedGen C0007194, MeSH D002312, MONDO:0005045, HP:0001639.

Allele frequency attached by ClinVar (database versions not stated): 1000 Genomes Project 0.00180; 1000 Genomes Project 30x 0.00187; ESP Exome Variant Server 0.00231; TOPMed 0.00277; ExAC 0.00279; gnomAD exomes 0.00288 and 0.00316; gnomAD 0.00309 and 0.00312.
gnomAD v4.1: 5,040 of 1,613,998 alleles (0.31%); highest among the groups gnomAD compares: Middle Eastern, 0.65%; 9 homozygotes.

Submissions (6):

CeGaT Center for Human Genetics Tuebingen
Classification: Benign. Last evaluated: 2026-09-01. Review status: criteria provided, single submitter. Criteria: CeGaT Center For Human Genetics Tuebingen Variant Classification Criteria Version 2. Collection method: clinical testing. Allele origin: germline. Affected: yes. Observed: 31 variant alleles.
Comment: MYH7: BS1, BS2

CHEO Genetics Diagnostic Laboratory, Children's Hospital of Eastern Ontario
Classification: Benign for Cardiomyopathy. Last evaluated: 2023-04-05. Review status: criteria provided, single submitter. Criteria: ACMG Guidelines, 2015. Collection method: clinical testing. Allele origin: germline.

Labcorp Genetics (formerly Invitae), Labcorp
Classification: Benign for Hypertrophic cardiomyopathy. Last evaluated: 2022-12-07. Review status: criteria provided, single submitter. Criteria: Invitae Variant Classification Sherloc (09022015). Collection method: clinical testing. Allele origin: germline.

GeneDx
Classification: Benign. Last evaluated: 2019-11-23. Review status: criteria provided, single submitter. Criteria: GeneDx Variant Classification Process June 2021. Collection method: clinical testing. Allele origin: germline. Affected: yes.
Comment: This variant is associated with the following publications: (PMID: 30297972)

Breakthrough Genomics
Classification: Likely benign. Review status: criteria provided, single submitter. Criteria: ACMG Guidelines, 2015. Collection method: not provided. Allele origin: germline. Inheritance: Autosomal recessive inheritance. Affected: yes.

Dr. Peter K. Rogan Lab, Western University
No classification provided (evidence only). Condition: Ovarian serous cystadenocarcinoma. Review status: no classification provided. Collection method: in vitro. Allele origin: not applicable. Functional consequence: retained intron. Not counted in ClinVar's aggregate classification.